The following is an entry in ClinVar:

ClinVar aggregate classification (germline): Uncertain significance (1 of 4 stars; one submission).

Submission:

Labcorp Genetics (formerly Invitae), Labcorp
Classification: Uncertain significance. Last evaluated: 2022-11-14. Review status: criteria provided, single submitter. Criteria: Invitae Variant Classification Sherloc (09022015). Collection method: clinical testing. Allele origin: germline.
Comment: This sequence change replaces leucine, which is neutral and non-polar, with phenylalanine, which is neutral and non-polar, at codon 744 of the MERTK protein (p.Leu744Phe). This variant is not present in population databases (gnomAD no frequency). This variant has not been reported in the literature in individuals affected with MERTK-related conditions. Advanced modeling of protein sequence and biophysical properties (such as structural, functional, and spatial information, amino acid conservation, physicochemical variation, residue mobility, and thermodynamic stability) performed at Invitae indicates that this missense variant is expected to disrupt MERTK protein function. In summary, the available evidence is currently insufficient to determine the role of this variant in disease. Therefore, it has been classified as a Variant of Uncertain Significance.

NM_006343.3(MERTK):c.2230C>T (p.Leu744Phe)

Gene: MERTK (MER proto-oncogene, tyrosine kinase; plus strand). Cytogenetic location: 2q13.
Variant type: single nucleotide variant.
Coding change: c.2230C>T on transcript NM_006343.3 (MANE Select); coding-DNA position 2230, C replaced by T.
Protein change: p.Leu744Phe; replaces leucine 744 with phenylalanine.
Molecular consequence: missense variant.
Genome position (GRCh38, 1-based): chr2:112,021,462, C>T. VCF-style: chr2-112021462-C-T. GRCh37 (hg19) VCF-style: chr2-112779039-C-T.
Other names: short protein forms L744F.
Identifiers: ClinVar variation 2814252 (VCV002814252.3), dbSNP rs2104423708, ClinGen allele CA348238893.